The following is an entry in ClinVar:

NM_001031689.3(PLAA):c.1751G>A (p.Cys584Tyr)

Gene: PLAA (phospholipase A2 activating protein; minus strand). Cytogenetic location: 9p21.2.
Variant type: single nucleotide variant.
Coding change: c.1751G>A on transcript NM_001031689.3 (MANE Select); coding-DNA position 1751, G replaced by A.
Protein change: p.Cys584Tyr; replaces cysteine 584 with tyrosine.
Molecular consequence: missense variant.
Genome position (GRCh38, 1-based): chr9:26,907,905, C>T on the plus strand (G>A on the coding strand, the complement: PLAA is on the minus strand). VCF-style: chr9-26907905-C-T. GRCh37 (hg19) VCF-style: chr9-26907903-C-T.
Other names: c.1682G>A, p.Cys561Tyr (NM_001321546.2); short protein forms C561Y, C584Y.
Identifiers: ClinVar variation 1466191 (VCV001466191.6), dbSNP rs2131363846, ClinGen allele CA373128807.

ClinVar aggregate classification (germline): Uncertain significance (1 of 4 stars; one submission).

Allele frequency attached by ClinVar (database versions not stated): gnomAD exomes below 0.00001.

Submission:

Labcorp Genetics (formerly Invitae), Labcorp
Classification: Uncertain significance. Last evaluated: 2022-07-25. Review status: criteria provided, single submitter. Criteria: Invitae Variant Classification Sherloc (09022015). Collection method: clinical testing. Allele origin: germline.
Comment: In summary, the available evidence is currently insufficient to determine the role of this variant in disease. Therefore, it has been classified as a Variant of Uncertain Significance. Algorithms developed to predict the effect of missense changes on protein structure and function are either unavailable or do not agree on the potential impact of this missense change (SIFT: "Tolerated"; PolyPhen-2: "Possibly Damaging"; Align-GVGD: "Class C0"). This sequence change replaces cysteine, which is neutral and slightly polar, with tyrosine, which is neutral and polar, at codon 584 of the PLAA protein (p.Cys584Tyr). This variant is not present in population databases (gnomAD no frequency). This variant has not been reported in the literature in individuals affected with PLAA-related conditions. ClinVar contains an entry for this variant (Variation ID: 1466191).